The following is an entry in ClinVar:

ClinVar aggregate classification (germline): Pathogenic/Likely pathogenic. Review status: criteria provided, multiple submitters, no conflicts (2 of 4 stars). 4 submissions from 4 submitters: Pathogenic (3); Likely pathogenic (1). Last evaluated 2025-06-03.

Conditions:
Inborn genetic diseases. Identifiers: MedGen C0950123, MeSH D030342.
Wiedemann-Steiner syndrome (WDSTS). Also called: Growth deficiency and mental retardation with facial dysmorphism. Identifiers: Orphanet 319182, MedGen C1854630, MONDO:0011518, OMIM 605130.

Submissions (4):

Ambry Genetics
Classification: Pathogenic for Inborn genetic diseases. Last evaluated: 2025-06-03. Review status: criteria provided, single submitter. Criteria: Ambry Variant Classification Scheme 2023. Collection method: clinical testing. Allele origin: germline.
Comment: The c.5887C>T (p.R1963*) alteration, located in exon 22 (coding exon 22) of the KMT2A gene, consists of a C to T substitution at nucleotide position 5887. This changes the amino acid from a arginine (R) to a stop codon at amino acid position 1963. This alteration is expected to result in loss of function by premature protein truncation or nonsense-mediated mRNA decay. This variant was not reported in population-based cohorts in the Genome Aggregation Database (gnomAD). Based on the available evidence, this alteration is classified as pathogenic.

Victorian Clinical Genetics Services, Murdoch Childrens Research Institute
Classification: Pathogenic for Wiedemann-Steiner syndrome. Last evaluated: 2025-02-06. Review status: criteria provided, single submitter. Criteria: ACMG Guidelines, 2015. Collection method: clinical testing. Allele origin: germline. Affected: yes.
Comment: This variant is classified as Pathogenic. Evidence in support of pathogenic classification: Variant is predicted to cause nonsense-mediated decay (NMD) and loss of protein (premature termination codon is located at least 54 nucleotides upstream of the final exon-exon junction); Variant is absent from gnomAD (v2, v3 and v4); This variant has limited previous evidence of pathogenicity in an unrelated individual(s). This variant has been classified as pathogenic by a clinical laboratory in ClinVar; Other NMD-predicted variant(s) comparable to the one identified in this case have very strong previous evidence for pathogenicity (DECIPHER, ClinVar); Additional information: This variant is heterozygous; This gene is associated with autosomal dominant disease; Loss of function is a known mechanism of disease in this gene and is associated with Wiedemann-Steiner syndrome (MIM#605130).

Dasa
Classification: Likely pathogenic. Last evaluated: 2024-12-26. Review status: criteria provided, single submitter. Criteria: DASA Assertion Criteria. Collection method: clinical testing. Allele origin: germline.
Comment: NM_001197104.2(KMT2A):c.5887C>T (p.Arg1963*) is a nonsense variant in KMT2A predicted to introduce a premature termination codon and is predicted to result in an absent or altered protein product. Loss of function is an established disease mechanism for KMT2A (PMID: 22795537; PMID: 24818805; PMID: 27759909). Also, this variant is absent from population databases. Based on the currently available evidence, this variant is classified as likely pathogenic.

Institute of Medical Genetics and Applied Genomics, University Hospital Tübingen
Classification: Pathogenic. Last evaluated: 2020-10-23. Review status: criteria provided, single submitter. Criteria: ACMG Guidelines, 2015. Collection method: clinical testing. Allele origin: germline. Inheritance: Unknown mechanism. Affected: yes.

Literature cited by the submitters: PubMed 22795537 (cited by Dasa); PubMed 24818805 (cited by Dasa); PubMed 27759909 (cited by Dasa).

NM_001197104.2(KMT2A):c.5887C>T (p.Arg1963Ter)

Gene: KMT2A (lysine methyltransferase 2A; plus strand). Cytogenetic location: 11q23.3.
Variant type: single nucleotide variant.
Coding change: c.5887C>T on transcript NM_001197104.2 (MANE Select); coding-DNA position 5887, C replaced by T.
Protein change: p.Arg1963Ter; replaces arginine 1963 with a stop codon.
Molecular consequence: nonsense.
Genome position (GRCh38, 1-based): chr11:118,498,454, C>T. VCF-style: chr11-118498454-C-T. GRCh37 (hg19) VCF-style: chr11-118369169-C-T.
Other names: c.5878C>T, p.Arg1960Ter (NM_005933.4); c.5887C>T (NM_001197104.1); short protein forms R1960*, R1963*.
Identifiers: ClinVar variation 987325 (VCV000987325.7), dbSNP rs1950445312, ClinGen allele CA382798837.